The following is an entry in ClinVar:

NC_000009.12:g.69014125GGC[8]

Gene: PRKACG (protein kinase cAMP-activated catalytic subunit gamma; minus strand). Cytogenetic location: 9q21.11.
Variant type: Microsatellite.
Genome position: GRCh38 VCF-style: chr9-69014122-C-CGCG. GRCh37 (hg19) VCF-style: chr9-71629038-C-CGCG.
Identifiers: ClinVar variation 5038621 (VCV005038621.1).

ClinVar aggregate classification (germline): Likely benign (1 of 4 stars; one submission).

Submission:

CeGaT Center for Human Genetics Tuebingen
Classification: Likely benign. Last evaluated: 2026-07-01. Review status: criteria provided, single submitter. Criteria: CeGaT Center For Human Genetics Tuebingen Variant Classification Criteria Version 2. Collection method: clinical testing. Allele origin: germline. Affected: yes. Observed: 1 variant allele.
Comment: PRKACG: BS2